The following is an entry in ClinVar:

NM_001197104.2(KMT2A):c.6119T>A (p.Leu2040His)

Gene: KMT2A (lysine methyltransferase 2A; plus strand). Cytogenetic location: 11q23.3.
Variant type: single nucleotide variant.
Coding change: c.6119T>A on transcript NM_001197104.2 (MANE Select); coding-DNA position 6119, T replaced by A.
Protein change: p.Leu2040His; replaces leucine 2040 with histidine.
Molecular consequence: missense variant.
Genome position (GRCh38, 1-based): chr11:118,499,874, T>A. VCF-style: chr11-118499874-T-A. GRCh37 (hg19) VCF-style: chr11-118370589-T-A.
Other names: c.6209T>A, p.Leu2070His (NM_001412597.1); c.6110T>A, p.Leu2037His (NM_005933.4); short protein forms L2037H, L2040H, L2070H.
Identifiers: ClinVar variation 3368659 (VCV003368659.1).

ClinVar aggregate classification (germline): Uncertain significance (1 of 4 stars; one submission).

Submission:

GeneDx
Classification: Uncertain significance. Last evaluated: 2024-02-07. Review status: criteria provided, single submitter. Criteria: GeneDx Variant Classification Process June 2021. Collection method: clinical testing. Allele origin: germline. Affected: yes.
Comment: Not observed at significant frequency in large population cohorts (gnomAD); In silico analysis supports that this missense variant has a deleterious effect on protein structure/function; Has not been previously published as pathogenic or benign to our knowledge